The following is an entry in ClinVar:

NM_003954.5(MAP3K14):c.1858C>T (p.Pro620Ser)

Gene: MAP3K14 (mitogen-activated protein kinase kinase kinase 14; minus strand). Cytogenetic location: 17q21.31.
Variant type: single nucleotide variant.
Coding change: c.1858C>T on transcript NM_003954.5 (MANE Select); coding-DNA position 1858, C replaced by T.
Protein change: p.Pro620Ser; replaces proline 620 with serine.
Molecular consequence: missense variant.
Genome position (GRCh38, 1-based): chr17:45,270,527, G>A on the plus strand (C>T on the coding strand, the complement: MAP3K14 is on the minus strand). VCF-style: chr17-45270527-G-A. GRCh37 (hg19) VCF-style: chr17-43347894-G-A.
Other names: short protein forms P620S.
Identifiers: ClinVar variation 2421883 (VCV002421883.5), dbSNP rs1351535566, ClinGen allele CA399878982.

ClinVar aggregate classification (germline): Uncertain significance (1 of 4 stars; one submission).

Conditions:
NIK deficiency. Also called: Primary immunodeficiency with multifaceted aberrant lymphoid immunity. Identifiers: Orphanet 447731, MedGen C5680065, MONDO:0018642.

Allele frequency attached by ClinVar (database versions not stated): gnomAD exomes 0.00001.
gnomAD v4.1: 3 of 1,579,746 alleles (0.00019%); highest among the groups gnomAD compares: Non-Finnish European, 0.00017%; no homozygotes.

Submission:

Labcorp Genetics (formerly Invitae), Labcorp
Classification: Uncertain significance for NIK deficiency. Last evaluated: 2025-08-21. Review status: criteria provided, single submitter. Criteria: Invitae Variant Classification Sherloc (09022015). Collection method: clinical testing. Allele origin: germline.
Comment: This sequence change replaces proline, which is neutral and non-polar, with serine, which is neutral and polar, at codon 620 of the MAP3K14 protein (p.Pro620Ser). The frequency data for this variant in the population databases is considered unreliable, as metrics indicate poor data quality at this position in the gnomAD database. This variant has not been reported in the literature in individuals affected with MAP3K14-related conditions. ClinVar contains an entry for this variant (Variation ID: 2421883). Experimental studies and prediction algorithms are not available or were not evaluated, and the functional significance of this variant is currently unknown. In summary, the available evidence is currently insufficient to determine the role of this variant in disease. Therefore, it has been classified as a Variant of Uncertain Significance.